The following is an entry in ClinVar:

ClinVar aggregate classification (germline): Likely benign. Review status: criteria provided, single submitter (1 of 4 stars). 2 submissions from 2 submitters: Likely benign (1). 1 of the submissions does not count toward it. Last evaluated 2025-06-17.

Conditions:
GLI2-related disorder. Also called: GLI2-related condition; GLI2-related disorders.
Holoprosencephaly 9 (HPE9). Also called: PITUITARY ANOMALIES WITH HOLOPROSENCEPHALY-LIKE FEATURES; HOLOPROSENCEPHALY WITH MICROPHTHALMIA AND FIRST BRANCHIAL ARCH ANOMALIES. Identifiers: Orphanet 2162, MedGen C1835819, MONDO:0012563, OMIM 610829.
Postaxial polydactyly-anterior pituitary anomalies-facial dysmorphism syndrome. Also called: Culler-Jones syndrome. Identifiers: Orphanet 420584, MedGen C4014479, MONDO:0014369, OMIM 615849.

Allele frequency attached by ClinVar (database versions not stated): ExAC 0.00006; TOPMed 0.00006; gnomAD 0.00007; 1000 Genomes Project 30x 0.00062; gnomAD exomes 0.00002; ESP Exome Variant Server 0.00015; 1000 Genomes Project 0.00080.
gnomAD v4.1: 46 of 1,613,646 alleles (0.0029%); highest among the groups gnomAD compares: African/African-American, 0.019%; no homozygotes.

Submissions (2):

Labcorp Genetics (formerly Invitae), Labcorp
Classification: Likely benign for Postaxial polydactyly-anterior pituitary anomalies-facial dysmorphism syndrome; Holoprosencephaly 9. Last evaluated: 2025-06-17. Review status: criteria provided, single submitter. Criteria: Invitae Variant Classification Sherloc (09022015). Collection method: clinical testing. Allele origin: germline.

PreventionGenetics, part of Exact Sciences
Classification: Likely benign for GLI2-related condition. Last evaluated: 2022-01-18. Review status: no assertion criteria provided. Collection method: clinical testing. Allele origin: germline. Not counted in ClinVar's aggregate classification.
Comment: This variant is classified as likely benign based on ACMG/AMP sequence variant interpretation guidelines (Richards et al. 2015 PMID: 25741868, with internal and published modifications).

NM_001374353.1(GLI2):c.4269G>A (p.Pro1423=)

Gene: GLI2 (GLI family zinc finger 2; plus strand). Cytogenetic location: 2q14.2.
Variant type: single nucleotide variant.
Coding change: c.4269G>A on transcript NM_001374353.1 (MANE Select); coding-DNA position 4269, G replaced by A.
Protein change: p.Pro1423=; no amino-acid change (proline 1423 retained).
Molecular consequence: synonymous variant.
Genome position (GRCh38, 1-based): chr2:120,990,234, G>A. VCF-style: chr2-120990234-G-A. GRCh37 (hg19) VCF-style: chr2-121747810-G-A.
Other names: c.4320G>A, p.Pro1440= (NM_001371271.1, NM_005270.5); c.3894G>A, p.Pro1298= (NM_001374354.1); c.4320G>A (NM_005270.4).
Identifiers: ClinVar variation 2952059 (VCV002952059.5), dbSNP rs200453915, ClinGen allele CA1852596.